The following is an entry in ClinVar:

ClinVar aggregate classification (germline): Uncertain significance (1 of 4 stars; one submission).

gnomAD v4.1: 3 of 1,613,474 alleles (0.00019%); highest among the groups gnomAD compares: Admixed American, 0.0017%; no homozygotes.

Submission:

CeGaT Center for Human Genetics Tuebingen
Classification: Uncertain significance. Last evaluated: 2026-02-01. Review status: criteria provided, single submitter. Criteria: CeGaT Center For Human Genetics Tuebingen Variant Classification Criteria Version 2. Collection method: clinical testing. Allele origin: germline. Affected: yes. Observed: 1 variant allele.
Comment: ANK3: PM2

NM_020987.5(ANK3):c.7076A>G (p.Tyr2359Cys)

Gene: ANK3 (ankyrin 3; minus strand). Cytogenetic location: 10q21.2.
Variant type: single nucleotide variant.
Coding change: c.7076A>G on transcript NM_020987.5 (MANE Select); coding-DNA position 7076, A replaced by G.
Protein change: p.Tyr2359Cys; replaces tyrosine 2359 with cysteine.
Molecular consequence: missense variant. On other transcripts: intron variant (4).
Genome position (GRCh38, 1-based): chr10:60,073,805, T>C on the plus strand (A>G on the coding strand, the complement: ANK3 is on the minus strand). VCF-style: chr10-60073805-T-C. GRCh37 (hg19) VCF-style: chr10-61833563-T-C.
Other names: c.4388-5796A>G (NM_001204403.2); c.4409-5796A>G (NM_001204404.2); c.4406-5796A>G (NM_001320874.2); c.1808-5796A>G (NM_001149.4); short protein forms Y2359C.
Identifiers: ClinVar variation 4822326 (VCV004822326.4).